The following is an entry in ClinVar:

NM_004006.3(DMD):c.7364C>T (p.Ala2455Val)

Gene: DMD (dystrophin; minus strand). Cytogenetic location: Xp21.1.
Variant type: single nucleotide variant.
Coding change: c.7364C>T on transcript NM_004006.3 (MANE Select); coding-DNA position 7364, C replaced by T.
Protein change: p.Ala2455Val; replaces alanine 2455 with valine.
Molecular consequence: missense variant. On other transcripts: 5 prime UTR variant (5).
Genome position (GRCh38, 1-based): chrX:31,774,138, G>A on the plus strand (C>T on the coding strand, the complement: DMD is on the minus strand). VCF-style: chrX-31774138-G-A. GRCh37 (hg19) VCF-style: chrX-31792255-G-A.
Other names: c.7340C>T, p.Ala2447Val (NM_000109.4); c.7352C>T, p.Ala2451Val (NM_004009.3); c.6995C>T, p.Ala2332Val (NM_004010.3); c.3341C>T, p.Ala1114Val (NM_004011.4); c.3332C>T, p.Ala1111Val (NM_004012.4); c.-17C>T (NM_004013.3, NM_004020.4, NM_004021.3 and 2 more transcripts); short protein forms A2451V, A1111V, A1114V, A2447V, A2455V, A2332V.
Identifiers: ClinVar variation 2813665 (VCV002813665.3), dbSNP rs1416125216, ClinGen allele CA412659089.

ClinVar aggregate classification (germline): Uncertain significance (1 of 4 stars; one submission).

Conditions:
Duchenne muscular dystrophy (DMD). Also called: MUSCULAR DYSTROPHY, PSEUDOHYPERTROPHIC PROGRESSIVE, DUCHENNE TYPE; Duchenne Muscular Dystrophy (DMD). Identifiers: Orphanet 98896, MedGen C0013264, MONDO:0010679, OMIM 310200.

Allele frequency attached by ClinVar (database versions not stated): gnomAD exomes below 0.00001; gnomAD 0.00001; TOPMed 0.00001.
gnomAD v4.1: 3 of 1,208,296 alleles (0.00025%); highest among the groups gnomAD compares: African/African-American, 0.0053%; no homozygotes.

Submission:

Labcorp Genetics (formerly Invitae), Labcorp
Classification: Uncertain significance for Duchenne muscular dystrophy. Last evaluated: 2023-07-29. Review status: criteria provided, single submitter. Criteria: Invitae Variant Classification Sherloc (09022015). Collection method: clinical testing. Allele origin: germline.
Comment: This sequence change replaces alanine, which is neutral and non-polar, with valine, which is neutral and non-polar, at codon 2455 of the DMD protein (p.Ala2455Val). This variant is present in population databases (no rsID available, gnomAD 0.008%). This variant has not been reported in the literature in individuals affected with DMD-related conditions. Advanced modeling of protein sequence and biophysical properties (such as structural, functional, and spatial information, amino acid conservation, physicochemical variation, residue mobility, and thermodynamic stability) performed at Invitae indicates that this missense variant is not expected to disrupt DMD protein function. Algorithms developed to predict the effect of sequence changes on RNA splicing suggest that this variant may create or strengthen a splice site. In summary, the available evidence is currently insufficient to determine the role of this variant in disease. Therefore, it has been classified as a Variant of Uncertain Significance.